The following is an entry in ClinVar:

NM_001164508.2(NEB):c.22423del (p.Met7475fs)

Genes: NEB (nebulin; minus strand), RIF1 (replication timing regulatory factor 1; plus strand). Cytogenetic location: 2q23.3.
Variant type: Deletion.
Coding change: c.22423del on transcript NM_001164508.2 (MANE Select); coding-DNA position 22423, one base deleted (A; older notation c.22423delA).
Protein change: p.Met7475fs; shifts the reading frame from methionine 7475.
Molecular consequence: frameshift variant.
Genome position (GRCh38, 1-based): chr2:151,524,367, T deleted on the plus strand (A on the coding strand, the reverse complement: NEB is on the minus strand). VCF-style (leftmost placement, unchanged base first): chr2-151524366-AT-A. GRCh37 (hg19) VCF-style: chr2-152380880-AT-A.
Other names: c.22423del, p.Met7475fs (NM_001164507.2); c.22528del, p.Met7510fs (NM_001271208.2); c.17320del, p.Met5774fs (NM_004543.5); short protein forms M5774fs, M7475fs, M7510fs.
Identifiers: ClinVar variation 5015909 (VCV005015909.1).

ClinVar aggregate classification (germline): Pathogenic (1 of 4 stars; one submission).

Conditions:
Nemaline myopathy 2 (NEM2). Also called: Nemaline myopathy 2, autosomal recessive. Identifiers: MedGen C1850569, MONDO:0009725, OMIM 256030.

Submission:

Myriad Genetics, Inc.
Classification: Pathogenic for Nemaline myopathy 2. Last evaluated: 2026-05-14. Review status: criteria provided, single submitter. Criteria: Myriad Autosomal Dominant, Autosomal Recessive and X-Linked Classification Criteria (2023). Collection method: clinical testing. Allele origin: unknown.
Comment: NM_001271208.1(NEB):c.22528delA(M7510Cfs*7) is expected to be pathogenic in the context of NEB-related nemaline myopathy. This variant is predicted to lead to an abnormal or absent protein product due to the creation of a premature termination codon in NEB, a gene where loss-of-function variants are known to be pathogenic. Please note: this variant was assessed in the context of healthy population screening.